The following is an entry in ClinVar:

ClinVar aggregate classification (germline): Likely benign. Review status: criteria provided, multiple submitters, no conflicts (2 of 4 stars). 3 submissions from 3 submitters: Likely benign (2). 1 of the submissions does not count toward it. Last evaluated 2025-06-27.

Conditions:
Polycystic kidney disease. Also called: Polycystic kidney dysplasia; Kidney, Polycystic. Identifiers: MedGen C0022680, MeSH D007690, MONDO:0020642, HP:0000113.

Allele frequency attached by ClinVar (database versions not stated): gnomAD exomes 0.00002.

Submissions (3):

Women's Health and Genetics/Laboratory Corporation of America, LabCorp
Classification: Likely benign. Last evaluated: 2025-06-27. Review status: criteria provided, single submitter. Criteria: LabCorp Variant Classification Summary - May 2015. Collection method: clinical testing. Allele origin: germline.

Mayo Clinic Laboratories, Mayo Clinic
Classification: Likely benign. Last evaluated: 2025-02-17. Review status: criteria provided, single submitter. Criteria: ACMG Guidelines, 2015. Collection method: clinical testing. Allele origin: germline. Observed: 2 variant alleles.
Comment: BP4, BP7

Department of Pathology and Laboratory Medicine, Sinai Health System
Classification: Uncertain significance for Polycystic Kidney disease. Review status: no assertion criteria provided. Collection method: clinical testing. Allele origin: unknown. Affected: yes. Study: The Canadian Open Genetics Repository (COGR). Not counted in ClinVar's aggregate classification.
Comment: The PKD1 c.360-5T>C variant was not identified in the literature nor was it identified in the ClinVar, LOVD 3.0, or PKD1-LOVD, databases. The variant was identified in dbSNP (ID: rs4018168) and in ADPKD Mutation Database (as Indeterminate). The variant was identified in control databases in 3 of 146224 chromosomes at a frequency of 0.00002 (Genome Aggregation Database Feb 27, 2017). The variant was observed in the following populations: African in 1 of 10984 chromosomes (freq: 0.00009), Latino in 1 of 21978 chromosomes (freq: 0.00005), European in 1 of 71074 chromosomes (freq: 0.00001), while the variant was not observed in the Other, Ashkenazi Jewish, East Asian, Finnish, and South Asian populations. In addition we cannot be certain that data from control databases is specific to PKD1 and not from one of the six PKD1 pseudogenes. The c.360-5T>C variant is located in the 3' splice region but does not affect the invariant -1 and -2 positions. However, positions -3 and -5 to -12 are part of the splicing consensus sequence and variants involving these positions sometimes affect splicing. However, in silico or computational prediction software programs (SpliceSiteFinder, MaxEntScan, NNSPLICE, GeneSplicer) do not predict a difference in splicing. In summary, based on the above information the clinical significance of this variant cannot be determined with certainty at this time. This variant is classified as a variant of uncertain significance.

NM_001009944.3(PKD1):c.360-5T>C

Gene: PKD1 (polycystin 1, transient receptor potential channel interacting; minus strand). Cytogenetic location: 16p13.3.
Variant type: single nucleotide variant.
Coding change: c.360-5T>C on transcript NM_001009944.3 (MANE Select); 5 bases into the intron before coding-DNA position 360, T replaced by C.
Molecular consequence: intron variant.
Genome position (GRCh38, 1-based): chr16:2,118,850, A>G on the plus strand (T>C on the coding strand, the complement: PKD1 is on the minus strand). VCF-style: chr16-2118850-A-G. GRCh37 (hg19) VCF-style: chr16-2168851-A-G.
Other names: p.?; c.360-5T>C (NM_000296.4).
Identifiers: ClinVar variation 997385 (VCV000997385.3), dbSNP rs4018168, ClinGen allele CA276784152.
Genomic context (GRCh38, chr16:2,118,850, plus strand): 5'-ATCGCGGCAGCCACGCCAGGCCACAGTCACACTCAAACGGGTTCCCACTCAGGTTTCTGC[A>G]GGGCAGGGGCAGGTGTTGGGGACCAGGTCTGGTGGGAAGGGTCTATGCCAGCCCCCCACT-3'